The following is an entry in ClinVar:

ClinVar aggregate classification (germline): Benign. Review status: criteria provided, multiple submitters, no conflicts (2 of 4 stars). 5 submissions from 5 submitters: Benign (4). 1 of the submissions does not count toward it. Last evaluated 2026-02-04.

Conditions:
Obesity due to SIM1 deficiency. Identifiers: Orphanet 369873, MedGen C5191050, MONDO:0018244.
SIM1-related disorder. Also called: SIM1-related disorders; SIM1-related condition.

Allele frequency attached by ClinVar (database versions not stated): ESP Exome Variant Server 0.10080; TOPMed 0.12702; ExAC 0.17165; 1000 Genomes Project 30x 0.17317; gnomAD exomes 0.17840; 1000 Genomes Project 0.17851.
gnomAD v4.1: 241,474 of 1,613,556 alleles (15%); highest among the groups gnomAD compares: East Asian, 46%; 21,646 homozygotes.

Submissions (5):

Labcorp Genetics (formerly Invitae), Labcorp
Classification: Benign. Last evaluated: 2026-02-04. Review status: criteria provided, single submitter. Criteria: Invitae Variant Classification Sherloc (09022015). Collection method: clinical testing. Allele origin: germline.

Blueprint Genetics
Classification: Benign. Last evaluated: 2024-11-26. Review status: criteria provided, single submitter. Criteria: ACMG Guidelines, 2015. Collection method: clinical testing. Allele origin: germline.

GeneDx
Classification: Benign. Last evaluated: 2019-01-18. Review status: criteria provided, single submitter. Criteria: GeneDx Variant Classification Process June 2021. Collection method: clinical testing. Allele origin: germline. Affected: yes.
Comment: This variant is associated with the following publications: (PMID: 16924270)

Illumina Laboratory Services, Illumina
Classification: Benign for Obesity due to SIM1 deficiency. Last evaluated: 2018-01-12. Review status: criteria provided, single submitter. Criteria: ICSL Variant Classification Criteria 13 December 2019. Collection method: clinical testing. Allele origin: germline.
Comment: This variant was observed in the ICSL laboratory as part of a predisposition screen in an ostensibly healthy population. It had not been previously curated by ICSL or reported in the Human Gene Mutation Database (HGMD: prior to June 1st, 2018), and was therefore a candidate for classification through an automated scoring system. Utilizing variant allele frequency, disease prevalence and penetrance estimates, and inheritance mode, an automated score was calculated to assess if this variant is too frequent to cause the disease. Based on the score and internal cut-off values, a variant classified as benign is not then subjected to further curation. The score for this variant resulted in a classification of benign for this disease.

PreventionGenetics, part of Exact Sciences
Classification: Benign for SIM1-related condition. Last evaluated: 2020-03-16. Review status: no assertion criteria provided. Collection method: clinical testing. Allele origin: germline. Not counted in ClinVar's aggregate classification.
Comment: This variant is classified as benign based on ACMG/AMP sequence variant interpretation guidelines (Richards et al. 2015 PMID: 25741868, with internal and published modifications).

NM_005068.3(SIM1):c.1112C>T (p.Ala371Val)

Genes: SIM1 (SIM bHLH transcription factor 1; minus strand), SIM1-AS1 (SIM1 antisense RNA 1; plus strand). Cytogenetic location: 6q16.3.
Variant type: single nucleotide variant.
Coding change: c.1112C>T on transcript NM_005068.3 (MANE Select); coding-DNA position 1112, C replaced by T.
Protein change: p.Ala371Val; replaces alanine 371 with valine.
Molecular consequence: missense variant.
Genome position (GRCh38, 1-based): chr6:100,420,845, G>A on the plus strand (C>T on the coding strand, the complement: SIM1 is on the minus strand). VCF-style: chr6-100420845-G-A. GRCh37 (hg19) VCF-style: chr6-100868721-G-A.
Other names: c.1112C>T, p.Ala371Val (NM_001374769.1); short protein forms A371V.
Identifiers: ClinVar variation 354680 (VCV000354680.18), dbSNP rs3734355, ClinGen allele CA3937126.
Genomic context (GRCh38, chr6:100,420,845, plus strand): 5'-CTTACCTGAGGGTATGGGGAAGTCCTGGATTTTGACTTTGAGCTGGAGAGCCGGGATTTG[G>A]CCCCCTTTCTGTTGTCAGTCATGGTGGGGGTGGAGCTGCTGGTATAGGAGAAGGCTGGTT-3'
Protein context (NP_005059.2, residues 361-381): TPTMTDNRKG[Ala371Val]KSRLSSSKSK